The following is an entry in ClinVar:

NM_000264.5(PTCH1):c.1246A>G (p.Thr416Ala)

Gene: PTCH1 (patched 1; minus strand). Cytogenetic location: 9q22.32.
Variant type: single nucleotide variant.
Coding change: c.1246A>G on transcript NM_000264.5 (MANE Select); coding-DNA position 1246, A replaced by G.
Protein change: p.Thr416Ala; replaces threonine 416 with alanine.
Molecular consequence: missense variant. On other transcripts: non-coding transcript variant (1).
Genome position (GRCh38, 1-based): chr9:95,478,156, T>C on the plus strand (A>G on the coding strand, the complement: PTCH1 is on the minus strand). VCF-style: chr9-95478156-T-C. GRCh37 (hg19) VCF-style: chr9-98240438-T-C.
Other names: c.1048A>G, p.Thr350Ala (NM_001083602.3); c.1243A>G, p.Thr415Ala (NM_001083603.3); c.793A>G, p.Thr265Ala (NM_001083604.3, NM_001083605.3, NM_001083606.3 and 1 more transcripts); c.1246A>G, p.Thr416Ala (NM_001354918.2); short protein forms T350A, T416A, T265A, T415A.
Identifiers: ClinVar variation 453776 (VCV000453776.12), dbSNP rs952195482, ClinGen allele CA196594066.

ClinVar aggregate classification (germline): Uncertain significance. Review status: criteria provided, multiple submitters, no conflicts (2 of 4 stars). 3 submissions from 3 submitters: Uncertain significance (3). Last evaluated 2025-11-07.

Conditions:
Holoprosencephaly 7 (HPE7). Identifiers: Orphanet 2162, MedGen C1835820, MONDO:0012562, OMIM 610828.
Basal cell carcinoma, susceptibility to, 1. Also called: BCC1. Identifiers: MedGen C2751544, MONDO:0011556, OMIM 605462.
Basal cell nevus syndrome 1 (BCNS1). Also called: GORLIN-GOLTZ SYNDROME; MULTIPLE BASAL CELL NEVI, ODONTOGENIC KERATOCYSTS, AND SKELETAL ANOMALIES. Identifiers: MedGen CN376810, MONDO:0958174, OMIM 109400.
Hereditary cancer-predisposing syndrome. Also called: Tumor predisposition; Hereditary Cancer Syndrome; Neoplastic Syndromes, Hereditary; Hereditary neoplastic syndrome. Identifiers: Orphanet 140162, MedGen C0027672, MeSH D009386, MONDO:0015356.
Gorlin syndrome. Also called: Basal cell nevus syndrome; Nevoid Basal Cell Carcinoma Syndrome. Identifiers: Orphanet 377, MedGen C0004779, MONDO:0007187.

Allele frequency attached by ClinVar (database versions not stated): gnomAD exomes below 0.00001; TOPMed below 0.00001; gnomAD 0.00001.
gnomAD v4.1: 5 of 1,613,918 alleles (0.00031%); highest among the groups gnomAD compares: East Asian, 0.0022%; no homozygotes.

Submissions (3):

Ambry Genetics
Classification: Uncertain significance for Hereditary cancer-predisposing syndrome. Last evaluated: 2025-11-07. Review status: criteria provided, single submitter. Criteria: Ambry Variant Classification Scheme 2023. Collection method: clinical testing. Allele origin: germline.
Comment: The p.T416A variant (also known as c.1246A>G), located in coding exon 9 of the PTCH1 gene, results from an A to G substitution at nucleotide position 1246. The threonine at codon 416 is replaced by alanine, an amino acid with similar properties. This amino acid position is not well conserved in available vertebrate species. In addition, this alteration is predicted to be tolerated by in silico analysis. Based on the available evidence, the clinical significance of this variant remains unclear.

Labcorp Genetics (formerly Invitae), Labcorp
Classification: Uncertain significance for Gorlin syndrome. Last evaluated: 2025-06-18. Review status: criteria provided, single submitter. Criteria: Invitae Variant Classification Sherloc (09022015). Collection method: clinical testing. Allele origin: germline.
Comment: This sequence change replaces threonine, which is neutral and polar, with alanine, which is neutral and non-polar, at codon 416 of the PTCH1 protein (p.Thr416Ala). This variant is present in population databases (no rsID available, gnomAD 0.06%). This variant has not been reported in the literature in individuals affected with PTCH1-related conditions. ClinVar contains an entry for this variant (Variation ID: 453776). Invitae Evidence Modeling of protein sequence and biophysical properties (such as structural, functional, and spatial information, amino acid conservation, physicochemical variation, residue mobility, and thermodynamic stability) indicates that this missense variant is not expected to disrupt PTCH1 protein function with a negative predictive value of 95%. In summary, the available evidence is currently insufficient to determine the role of this variant in disease. Therefore, it has been classified as a Variant of Uncertain Significance.

Fulgent Genetics
Classification: Uncertain significance for Basal cell nevus syndrome 1; Basal cell carcinoma, susceptibility to, 1; Holoprosencephaly 7. Last evaluated: 2024-02-23. Review status: criteria provided, single submitter. Criteria: ACMG Guidelines, 2015. Collection method: clinical testing. Allele origin: germline.